The following is an entry in ClinVar:

NM_014444.5(TUBGCP4):c.937C>T (p.Arg313Cys)

Gene: TUBGCP4 (tubulin gamma complex component 4; plus strand). Cytogenetic location: 15q15.3.
Variant type: single nucleotide variant.
Coding change: c.937C>T on transcript NM_014444.5 (MANE Select); coding-DNA position 937, C replaced by T.
Protein change: p.Arg313Cys; replaces arginine 313 with cysteine.
Molecular consequence: missense variant.
Genome position (GRCh38, 1-based): chr15:43,386,253, C>T. VCF-style: chr15-43386253-C-T. GRCh37 (hg19) VCF-style: chr15-43678451-C-T.
Other names: c.937C>T, p.Arg313Cys (NM_001286414.3); short protein forms R313C.
Identifiers: ClinVar variation 1062410 (VCV001062410.6), dbSNP rs1345902565, ClinGen allele CA392123176.
Genomic context (GRCh38, chr15:43,386,253, plus strand): 5'-TCCTATTTTGCAGGATCCATTTTGAAAAACCAGGAAGACACTTTTGCTGCAGAGCTGCAC[C>T]GTCTCAAGCAGCAGCCACTCTTCAGCTTGGTGGACTTTGAACAGGTGGTGGATCGCATTC-3'
Protein context (NP_055259.2, residues 303-323): QEDTFAAELH[Arg313Cys]LKQQPLFSLV

ClinVar aggregate classification (germline): Uncertain significance (1 of 4 stars; one submission).

gnomAD v4.1: 3 of 1,602,572 alleles (0.00019%); highest among the groups gnomAD compares: Admixed American, 0.0034%; no homozygotes.

Submission:

Labcorp Genetics (formerly Invitae), Labcorp
Classification: Uncertain significance. Last evaluated: 2021-08-24. Review status: criteria provided, single submitter. Criteria: Invitae Variant Classification Sherloc (09022015). Collection method: clinical testing. Allele origin: germline.
Comment: This sequence change replaces arginine with cysteine at codon 313 of the TUBGCP4 protein (p.Arg313Cys). The arginine residue is moderately conserved and there is a large physicochemical difference between arginine and cysteine. This variant is not present in population databases (ExAC no frequency). This variant has not been reported in the literature in individuals affected with TUBGCP4-related conditions. Algorithms developed to predict the effect of missense changes on protein structure and function are either unavailable or do not agree on the potential impact of this missense change (SIFT: "Deleterious"; PolyPhen-2: "Possibly Damaging"; Align-GVGD: "Class C15"). In summary, the available evidence is currently insufficient to determine the role of this variant in disease. Therefore, it has been classified as a Variant of Uncertain Significance.